The following is an entry in ClinVar:

NM_001035.3(RYR2):c.854G>A (p.Ser285Asn)

Gene: RYR2 (ryanodine receptor 2; plus strand). Cytogenetic location: 1q43.
Variant type: single nucleotide variant.
Coding change: c.854G>A on transcript NM_001035.3 (MANE Select); coding-DNA position 854, G replaced by A.
Protein change: p.Ser285Asn; replaces serine 285 with asparagine.
Molecular consequence: missense variant.
Genome position (GRCh38, 1-based): chr1:237,423,097, G>A. VCF-style: chr1-237423097-G-A. GRCh37 (hg19) VCF-style: chr1-237586397-G-A.
Other names: short protein forms S285N.
Identifiers: ClinVar variation 921654 (VCV000921654.3), dbSNP rs1342435908, ClinGen allele CA345385128.

ClinVar aggregate classification (germline): Uncertain significance (1 of 4 stars; one submission).

Conditions:
Cardiomyopathy (CMYO). Also called: Cardiomyopathies. Identifiers: Orphanet 167848, MedGen C0878544, MONDO:0004994, HP:0001638. Inheritance: Various modes of inheritance.

Allele frequency attached by ClinVar (database versions not stated): gnomAD exomes below 0.00001.

Submission:

Color Diagnostics, LLC DBA Color Health
Classification: Uncertain significance for Cardiomyopathy. Last evaluated: 2019-04-29. Review status: criteria provided, single submitter. Criteria: ACMG Guidelines, 2015. Collection method: clinical testing. Allele origin: germline.
Comment: This missense variant replaces serine with asparagine at codon 285 of the RYR2 protein. Computational prediction tools and conservation analyses suggest that this variant may have deleterious impact on the protein function. Computational splicing tools suggest that this variant may not impact RNA splicing. To our knowledge, functional assays have not been performed for this variant nor has this variant been reported in individuals affected with cardiovascular disorders in the literature. This variant has been identified in 1/248026 chromosomes in the general population by the Genome Aggregation Database (gnomAD). Available evidence is insufficient to determine the role of this variant in disease conclusively. Therefore, this variant is classified as a Variant of Uncertain Significance.